The following is an entry in ClinVar:

NM_006343.3(MERTK):c.56G>T (p.Arg19Leu)

Gene: MERTK (MER proto-oncogene, tyrosine kinase; plus strand). Cytogenetic location: 2q13.
Variant type: single nucleotide variant.
Coding change: c.56G>T on transcript NM_006343.3 (MANE Select); coding-DNA position 56, G replaced by T.
Protein change: p.Arg19Leu; replaces arginine 19 with leucine.
Molecular consequence: missense variant.
Genome position (GRCh38, 1-based): chr2:111,898,791, G>T. VCF-style: chr2-111898791-G-T. GRCh37 (hg19) VCF-style: chr2-112656368-G-T.
Other names: c.56G>T (NM_006343.2); short protein forms R19L.
Identifiers: ClinVar variation 1409604 (VCV001409604.7), dbSNP rs1017599113, ClinGen allele CA53582099.

ClinVar aggregate classification (germline): Uncertain significance. Review status: criteria provided, single submitter (1 of 4 stars). 2 submissions from 2 submitters: Uncertain significance (1). 1 of the submissions does not count toward it. Last evaluated 2022-09-27.

Conditions:
MERTK-related disorder. Also called: MERTK-related condition.

Allele frequency attached by ClinVar (database versions not stated): gnomAD 0.00001.
gnomAD v4.1: 2 of 1,593,482 alleles (0.00013%); highest among the groups gnomAD compares: Admixed American, 0.0035%; no homozygotes.

Submissions (2):

Labcorp Genetics (formerly Invitae), Labcorp
Classification: Uncertain significance. Last evaluated: 2022-09-27. Review status: criteria provided, single submitter. Criteria: Invitae Variant Classification Sherloc (09022015). Collection method: clinical testing. Allele origin: germline.
Comment: In summary, the available evidence is currently insufficient to determine the role of this variant in disease. Therefore, it has been classified as a Variant of Uncertain Significance. Algorithms developed to predict the effect of missense changes on protein structure and function (SIFT, PolyPhen-2, Align-GVGD) all suggest that this variant is likely to be tolerated. ClinVar contains an entry for this variant (Variation ID: 1409604). This variant has not been reported in the literature in individuals affected with MERTK-related conditions. This variant is not present in population databases (gnomAD no frequency). This sequence change replaces arginine, which is basic and polar, with leucine, which is neutral and non-polar, at codon 19 of the MERTK protein (p.Arg19Leu).

PreventionGenetics, part of Exact Sciences
Classification: Uncertain significance for MERTK-related condition. Last evaluated: 2024-08-23. Review status: no assertion criteria provided. Collection method: clinical testing. Allele origin: germline. Not counted in ClinVar's aggregate classification.
Comment: The MERTK c.56G>T variant is predicted to result in the amino acid substitution p.Arg19Leu. To our knowledge, this variant has not been reported in the literature or in a large population database, indicating this variant is rare. At this time, the clinical significance of this variant is uncertain due to the absence of conclusive functional and genetic evidence.